The following is an entry in ClinVar:

NM_000327.4(ROM1):c.1000C>G (p.Pro334Ala)

Gene: ROM1 (retinal outer segment membrane protein 1; plus strand). Cytogenetic location: 11q12.3.
Variant type: single nucleotide variant.
Coding change: c.1000C>G on transcript NM_000327.4 (MANE Select); coding-DNA position 1000, C replaced by G.
Protein change: p.Pro334Ala; replaces proline 334 with alanine.
Molecular consequence: missense variant.
Genome position (GRCh38, 1-based): chr11:62,614,783, C>G. VCF-style: chr11-62614783-C-G. GRCh37 (hg19) VCF-style: chr11-62382255-C-G.
Other names: short protein forms P334A.
Identifiers: ClinVar variation 938056 (VCV000938056.9), dbSNP rs201291804, ClinGen allele CA6049894.

ClinVar aggregate classification (germline): Uncertain significance (1 of 4 stars; one submission).

Allele frequency attached by ClinVar (database versions not stated): TOPMed 0.00002.

Submission:

Labcorp Genetics (formerly Invitae), Labcorp
Classification: Uncertain significance. Last evaluated: 2026-01-18. Review status: criteria provided, single submitter. Criteria: Invitae Variant Classification Sherloc (09022015). Collection method: clinical testing. Allele origin: germline.
Comment: This sequence change replaces proline, which is neutral and non-polar, with alanine, which is neutral and non-polar, at codon 334 of the ROM1 protein (p.Pro334Ala). This variant is present in population databases (rs201291804, gnomAD 0.01%). This variant has not been reported in the literature in individuals affected with ROM1-related conditions. ClinVar contains an entry for this variant (Variation ID: 938056). Invitae Evidence Modeling of protein sequence and biophysical properties (such as structural, functional, and spatial information, amino acid conservation, physicochemical variation, residue mobility, and thermodynamic stability) indicates that this missense variant is not expected to disrupt ROM1 protein function with a negative predictive value of 80%. In summary, the available evidence is currently insufficient to determine the role of this variant in disease. Therefore, it has been classified as a Variant of Uncertain Significance.